The following is an entry in ClinVar:

ClinVar aggregate classification (germline): Uncertain significance (1 of 4 stars; one submission).

Submission:

Ambry Genetics
Classification: Uncertain significance. Last evaluated: 2025-07-05. Review status: criteria provided, single submitter. Criteria: Ambry Variant Classification Scheme 2023. Collection method: clinical testing. Allele origin: germline.
Comment: The p.D895A variant (also known as c.2684A>C), located in coding exon 24 of the KIF1B gene, results from an A to C substitution at nucleotide position 2684. The aspartic acid at codon 895 is replaced by alanine, an amino acid with dissimilar properties. This amino acid position is conserved. In addition, the in silico prediction for this alteration is inconclusive. Since supporting evidence is limited at this time, the clinical significance of this alteration remains unclear.

NM_001365951.3(KIF1B):c.2822A>C (p.Asp941Ala)

Genes: KIF1B (kinesin family member 1B; plus strand), LOC126805614 (BRD4-independent group 4 enhancer GRCh37_chr1:10385546-10386745; plus strand). Cytogenetic location: 1p36.22.
Variant type: single nucleotide variant.
Coding change: c.2822A>C on transcript NM_001365951.3 (MANE Select); coding-DNA position 2822, A replaced by C.
Protein change: p.Asp941Ala; replaces aspartic acid 941 with alanine.
Molecular consequence: missense variant.
Genome position (GRCh38, 1-based): chr1:10,326,257, A>C. VCF-style: chr1-10326257-A-C. GRCh37 (hg19) VCF-style: chr1-10386315-A-C.
Other names: c.2822A>C, p.Asp941Ala (NM_001365952.1); c.2684A>C, p.Asp895Ala (NM_015074.3); short protein forms D895A, D941A.
Identifiers: ClinVar variation 2563614 (VCV002563614.3), dbSNP rs2521640000, ClinGen allele CA338337264.